The following is an entry in ClinVar:

NM_000498.3(CYP11B2):c.139_148del (p.Gly46_Asn47insTer)

Genes: CYP11B2 (cytochrome P450 family 11 subfamily B member 2; minus strand), LOC106799834 (CYP11B2 recombination region; plus strand). Cytogenetic location: 8q24.3.
Variant type: Deletion.
Coding change: c.139_148del on transcript NM_000498.3 (MANE Select); coding-DNA positions 139 to 148, 10 bases deleted (AACAGGTGGC; older notation c.139_148delAACAGGTGGC).
Protein change: p.Gly46_Asn47insTer.
Molecular consequence: nonsense.
Genome position (GRCh38, 1-based): chr8:142,917,693-142,917,702, GCCACCTGTT deleted on the plus strand (AACAGGTGGC on the coding strand, the reverse complement: CYP11B2 is on the minus strand); deleting any 10 consecutive bases within chr8:142,917,693-142,917,705 gives the same sequence; the c. name uses the placement nearest the transcript's 3' end. VCF-style (leftmost placement, unchanged base first): chr8-142917692-AGCCACCTGTT-A. GRCh37 (hg19) VCF-style: chr8-143999108-AGCCACCTGTT-A.
Other names: c.139_148delAACAGGTGGC (NM_000498.3).
Identifiers: ClinVar variation 847988 (VCV000847988.13), dbSNP rs63748989, ClinGen allele CA187457886.

ClinVar aggregate classification (germline): Pathogenic/Likely pathogenic. Review status: criteria provided, multiple submitters, no conflicts (2 of 4 stars). 4 submissions from 4 submitters: Pathogenic (1); Likely pathogenic (3). Last evaluated 2025-01-31.

Conditions:
Corticosterone methyl oxidase type II deficiency.
Corticosterone 18-monooxygenase deficiency. Also called: STEROID 18-HYDROXYLASE DEFICIENCY; ALDOSTERONE DEFICIENCY DUE TO DEFECT IN STEROID 18-HYDROXYLASE; ALDOSTERONE DEFICIENCY I; CMO I DEFICIENCY; 18 Hydroxylase deficiency; Aldosterone deficiency due to defect in 18 hydroxylase. Identifiers: Orphanet 427, MedGen C0268293, MONDO:0008751, OMIM 203400. Disease mechanism: loss of function.
Corticosterone methyloxidase type 2 deficiency. Also called: STEROID 18-OXIDASE DEFICIENCY; 18-OXIDASE DEFICIENCY; ALDOSTERONE DEFICIENCY DUE TO DEFICIENCY OF STEROID 18-OXIDASE; ALDOSTERONE DEFICIENCY II; CMO II DEFICIENCY. Identifiers: Orphanet 427, MedGen C3463917, MONDO:0012524, OMIM 610600. Disease mechanism: loss of function.

Submissions (4):

Natera, Inc.
Classification: Likely pathogenic for Corticosterone methyl oxidase type II deficiency. Last evaluated: 2025-01-31. Review status: criteria provided, single submitter. Criteria: Natera Variant Classification Schema (03/2026). Collection method: clinical testing. Allele origin: germline.
Comment: The c.139_148delAACAGGTGGC variant in CYP11B2 is a frameshift variant predicted to shift the reading frame and introduce a stop codon. This variant is expected to result in nonsense mediated decay, truncation, or a dysfunctional protein product. This variant is rare in the general population with a frequency below the threshold expected for the associated phenotype(s). Given the available evidence, this variant is classified as Likely Pathogenic.

Labcorp Genetics (formerly Invitae), Labcorp
Classification: Pathogenic. Last evaluated: 2024-03-03. Review status: criteria provided, single submitter. Criteria: Invitae Variant Classification Sherloc (09022015). Collection method: clinical testing. Allele origin: germline.
Comment: This sequence change creates a premature translational stop signal (p.Asn47*) in the CYP11B2 gene. It is expected to result in an absent or disrupted protein product. Loss-of-function variants in CYP11B2 are known to be pathogenic (PMID: 20494601, 22801770, 26936515). This variant is present in population databases (rs63748989, gnomAD 0.002%). This variant has not been reported in the literature in individuals affected with CYP11B2-related conditions. ClinVar contains an entry for this variant (Variation ID: 847988). Algorithms developed to predict the effect of sequence changes on RNA splicing suggest that this variant may disrupt the consensus splice site. For these reasons, this variant has been classified as Pathogenic.

Fulgent Genetics
Classification: Likely pathogenic for Corticosterone 18-monooxygenase deficiency; Corticosterone methyloxidase type 2 deficiency. Last evaluated: 2024-01-11. Review status: criteria provided, single submitter. Criteria: ACMG Guidelines, 2015. Collection method: clinical testing. Allele origin: germline.

Laboratory for Molecular Medicine, Mass General Brigham Personalized Medicine
Classification: Likely pathogenic for Corticosterone 18-monooxygenase deficiency. Last evaluated: 2020-01-15. Review status: criteria provided, single submitter. Criteria: LMM Criteria. Collection method: clinical testing. Allele origin: germline. Inheritance: Autosomal recessive inheritance. Observed: 1 variant allele.
Comment: The p.Asn47X variant in CYP11B2 has not been previously reported in individuals with Corticosterone methyloxidase deficiency but has been identified in 0.002% (2/113716) of European chromosomes by gnomAD. This variant is a deletion of 10 nucleotides that leads to a premature termination codon at position 47, which is predicted to lead to a truncated or absent protein. Loss of function of the CYP11B2 gene is an established disease mechanism in autosomal recessive Corticosterone methyloxidase deficiency. In summary, although additional studies are required to fully establish its clinical significance, this variant meets criteria to be classified as likely pathogenic for autosomal recessive Corticosterone methyloxidase deficiency. ACMG/AMP Criteria applied: PVS1, PM2.

Literature cited by the submitters: PubMed 20494601 (cited by Labcorp Genetics (formerly Invitae), Labcorp); PubMed 22801770 (cited by Labcorp Genetics (formerly Invitae), Labcorp); PubMed 26936515 (cited by Labcorp Genetics (formerly Invitae), Labcorp).